The following is an entry in ClinVar:

NM_001110556.2(FLNA):c.3124G>A (p.Glu1042Lys)

Gene: FLNA (filamin A; minus strand). Cytogenetic location: Xq28.
Variant type: single nucleotide variant.
Coding change: c.3124G>A on transcript NM_001110556.2 (MANE Select); coding-DNA position 3124, G replaced by A.
Protein change: p.Glu1042Lys; replaces glutamic acid 1042 with lysine.
Molecular consequence: missense variant.
Genome position (GRCh38, 1-based): chrX:154,361,391, C>T on the plus strand (G>A on the coding strand, the complement: FLNA is on the minus strand). VCF-style: chrX-154361391-C-T. GRCh37 (hg19) VCF-style: chrX-153589759-C-T.
Other names: c.3124G>A, p.Glu1042Lys (NM_001456.4); short protein forms E1042K.
Identifiers: ClinVar variation 2933045 (VCV002933045.3), dbSNP rs782052055, ClinGen allele CA10560771.
Genomic context (GRCh38, chrX:154,361,391, plus strand): 5'-CAGCTTCCAGAGGAAAGGGGCTGCCAGGCACGGGCACGCCGTCATAGGTCACCTCCACCT[C>T]ATAGGGCCCTTCCTCACGGGGCAGGAAGCGCACCACACTGTTGTCAGCCCCCAGGCCTGG-3'
Protein context (NP_001104026.1, residues 1032-1052): RFLPREEGPY[Glu1042Lys]VEVTYDGVPV

ClinVar aggregate classification (germline): Uncertain significance (1 of 4 stars; one submission).

Conditions:
Oto-palato-digital syndrome, type II (OPD2). Also called: FACIOPALATOOSSEOUS SYNDROME; OPD II SYNDROME; Otopalatodigital Syndrome, Type II; Otopalatodigital Syndrome Type 2 (FLNA-OPD2). Identifiers: Orphanet 669, Orphanet 90652, MedGen C1844696, MONDO:0010571, OMIM 304120.
Heterotopia, periventricular, X-linked dominant (PVNH1). Also called: PERIVENTRICULAR NODULAR HETEROTOPIA 1; X-linked periventricular heterotopia; PERIVENTRICULAR NODULAR HETEROTOPIA 4; HETEROTOPIA, PERIVENTRICULAR, 1. Identifiers: Orphanet 2149, Orphanet 82004, MedGen C1848213, MONDO:0010233, OMIM 300049.
Frontometaphyseal dysplasia (FMD1). Identifiers: Orphanet 1826, MedGen C0265293, MONDO:0015942.
Melnick-Needles syndrome (MNS). Also called: MELNICK-NEEDLES OSTEODYSPLASTY; OSTEODYSPLASTY OF MELNICK AND NEEDLES; Melnick-Needles Syndrome (FLNA-MNS). Identifiers: Orphanet 2484, MedGen C0025237, MONDO:0010650, OMIM 309350.

Allele frequency attached by ClinVar (database versions not stated): gnomAD exomes below 0.00001.

Submission:

Labcorp Genetics (formerly Invitae), Labcorp
Classification: Uncertain significance for Oto-palato-digital syndrome, type II; Heterotopia, periventricular, X-linked dominant; Frontometaphyseal dysplasia; Melnick-Needles syndrome. Last evaluated: 2024-12-07. Review status: criteria provided, single submitter. Criteria: Invitae Variant Classification Sherloc (09022015). Collection method: clinical testing. Allele origin: germline.
Comment: This sequence change replaces glutamic acid, which is acidic and polar, with lysine, which is basic and polar, at codon 1042 of the FLNA protein (p.Glu1042Lys). This variant is not present in population databases (gnomAD no frequency). This variant has not been reported in the literature in individuals affected with FLNA-related conditions. ClinVar contains an entry for this variant (Variation ID: 2933045). Invitae Evidence Modeling of protein sequence and biophysical properties (such as structural, functional, and spatial information, amino acid conservation, physicochemical variation, residue mobility, and thermodynamic stability) indicates that this missense variant is not expected to disrupt FLNA protein function with a negative predictive value of 95%. In summary, the available evidence is currently insufficient to determine the role of this variant in disease. Therefore, it has been classified as a Variant of Uncertain Significance.